The following is an entry in ClinVar:

NM_002470.4(MYH3):c.124G>C (p.Asp42His)

Gene: MYH3 (myosin heavy chain 3; minus strand). Cytogenetic location: 17p13.1.
Variant type: single nucleotide variant.
Coding change: c.124G>C on transcript NM_002470.4 (MANE Select); coding-DNA position 124, G replaced by C.
Protein change: p.Asp42His; replaces aspartic acid 42 with histidine.
Molecular consequence: missense variant.
Genome position (GRCh38, 1-based): chr17:10,654,941, C>G on the plus strand (G>C on the coding strand, the complement: MYH3 is on the minus strand). VCF-style: chr17-10654941-C-G. GRCh37 (hg19) VCF-style: chr17-10558258-C-G.
Other names: short protein forms D42H.
Identifiers: ClinVar variation 2699012 (VCV002699012.3), dbSNP rs1792675041, ClinGen allele CA398118915.

ClinVar aggregate classification (germline): Uncertain significance (1 of 4 stars; one submission).

Allele frequency attached by ClinVar (database versions not stated): TOPMed below 0.00001; gnomAD exomes 0.00001.
gnomAD v4.1: 8 of 1,614,196 alleles (0.0005%); highest among the groups gnomAD compares: Non-Finnish European, 0.00068%; no homozygotes.

Submission:

Labcorp Genetics (formerly Invitae), Labcorp
Classification: Uncertain significance. Last evaluated: 2023-11-25. Review status: criteria provided, single submitter. Criteria: Invitae Variant Classification Sherloc (09022015). Collection method: clinical testing. Allele origin: germline.
Comment: This sequence change replaces aspartic acid, which is acidic and polar, with histidine, which is basic and polar, at codon 42 of the MYH3 protein (p.Asp42His). This variant is not present in population databases (gnomAD no frequency). This variant has not been reported in the literature in individuals affected with MYH3-related conditions. Advanced modeling of protein sequence and biophysical properties (such as structural, functional, and spatial information, amino acid conservation, physicochemical variation, residue mobility, and thermodynamic stability) performed at Invitae indicates that this missense variant is not expected to disrupt MYH3 protein function with a negative predictive value of 95%. In summary, the available evidence is currently insufficient to determine the role of this variant in disease. Therefore, it has been classified as a Variant of Uncertain Significance.